The following is an entry in ClinVar:

NM_002354.3(EPCAM):c.100C>G (p.Leu34Val)

Gene: EPCAM (epithelial cell adhesion molecule; plus strand). Cytogenetic location: 2p21.
Variant type: single nucleotide variant.
Coding change: c.100C>G on transcript NM_002354.3 (MANE Select); coding-DNA position 100, C replaced by G.
Protein change: p.Leu34Val; replaces leucine 34 with valine.
Molecular consequence: missense variant.
Genome position (GRCh38, 1-based): chr2:47,373,486, C>G. VCF-style: chr2-47373486-C-G. GRCh37 (hg19) VCF-style: chr2-47600625-C-G.
Other names: short protein forms L34V.
Identifiers: ClinVar variation 3275840 (VCV003275840.1).

ClinVar aggregate classification (germline): Uncertain significance (1 of 4 stars; one submission).

Conditions:
Hereditary cancer-predisposing syndrome. Also called: Tumor predisposition; Hereditary Cancer Syndrome; Hereditary neoplastic syndrome; Neoplastic Syndromes, Hereditary. Identifiers: Orphanet 140162, MedGen C0027672, MeSH D009386, MONDO:0015356.

Submission:

Ambry Genetics
Classification: Uncertain significance for Hereditary cancer-predisposing syndrome. Last evaluated: 2024-04-27. Review status: criteria provided, single submitter. Criteria: Ambry Variant Classification Scheme 2023. Collection method: clinical testing. Allele origin: germline.
Comment: The p.L34V variant (also known as c.100C>G), located in coding exon 2 of the EPCAM gene, results from a C to G substitution at nucleotide position 100. The leucine at codon 34 is replaced by valine, an amino acid with highly similar properties. This amino acid position is conserved. In addition, this alteration is predicted to be tolerated by in silico analysis. Based on the available evidence, the clinical significance of this variant remains unclear.